The following is an entry in ClinVar:

ClinVar aggregate classification (germline): Likely pathogenic (1 of 4 stars; one submission).

Conditions:
Spermatogenic failure 37. Identifiers: MedGen C5193091, MONDO:0032744, OMIM 618429.

Submission:

First Genomix Gene Laboratory, Genetic Diagnostics Department
Classification: Likely pathogenic for Spermatogenic failure 37. Last evaluated: 2025-07-14. Review status: criteria provided, single submitter. Criteria: ACMG Guidelines, 2015. Collection method: clinical testing. Allele origin: germline. Inheritance: Autosomal recessive inheritance. Affected: no. Observed: 1 variant allele.

NM_001366900.1(TTC21A):c.2459-2A>T

Gene: TTC21A (tetratricopeptide repeat domain 21A; plus strand). Cytogenetic location: 3p22.2.
Variant type: single nucleotide variant.
Coding change: c.2459-2A>T on transcript NM_001366900.1 (MANE Select); the canonical splice acceptor site of the intron before coding-DNA position 2459, A replaced by T.
Molecular consequence: splice acceptor variant.
Genome position (GRCh38, 1-based): chr3:39,130,990, A>T. VCF-style: chr3-39130990-A-T. GRCh37 (hg19) VCF-style: chr3-39172481-A-T.
Other names: c.2483-2A>T (NM_001366899.1); c.2480-2A>T (NM_145755.3); c.2336-2A>T (NM_001105513.3).
Identifiers: ClinVar variation 4849360 (VCV004849360.1).